The following is an entry in ClinVar:

NM_001384474.1(LOXHD1):c.6462C>G (p.Val2154=)

Gene: LOXHD1 (lipoxygenase homology PLAT domains 1; minus strand). Cytogenetic location: 18q21.1.
Variant type: single nucleotide variant.
Coding change: c.6462C>G on transcript NM_001384474.1 (MANE Select); coding-DNA position 6462, C replaced by G.
Protein change: p.Val2154=; no amino-acid change (valine 2154 retained).
Molecular consequence: synonymous variant.
Genome position (GRCh38, 1-based): chr18:46,477,832, G>C on the plus strand (C>G on the coding strand, the complement: LOXHD1 is on the minus strand). VCF-style: chr18-46477832-G-C. GRCh37 (hg19) VCF-style: chr18-44057795-G-C.
Other names: c.3129C>G, p.Val1043= (NM_001145472.3); c.1179C>G, p.Val393= (NM_001145473.3, NM_001173129.2); c.2841C>G, p.Val947= (NM_001308013.2); c.6276C>G, p.Val2092= (NM_144612.7).
Identifiers: ClinVar variation 163885 (VCV000163885.20), dbSNP rs141737883, ClinGen allele CA176606.

ClinVar aggregate classification (germline): Conflicting classifications of pathogenicity. Review status: criteria provided, conflicting classifications (1 of 4 stars). 4 submissions from 4 submitters: Uncertain significance (1); Likely benign (2). 1 of the submissions does not count toward it. Last evaluated 2025-12-30.

Conditions:
Autosomal recessive nonsyndromic hearing loss 77. Identifiers: Orphanet 90636, MedGen C2746083, MONDO:0013119, OMIM 613079.

Allele frequency attached by ClinVar (database versions not stated): TOPMed 0.00015; gnomAD 0.00016; ExAC 0.00018; 1000 Genomes Project 30x 0.00047; 1000 Genomes Project 0.00060; gnomAD exomes 0.00006.
gnomAD v4.1: 121 of 1,551,832 alleles (0.0078%); highest among the groups gnomAD compares: Middle Eastern, 0.083%; no homozygotes.

Submissions (4):

Labcorp Genetics (formerly Invitae), Labcorp
Classification: Likely benign. Last evaluated: 2025-12-30. Review status: criteria provided, single submitter. Criteria: Invitae Variant Classification Sherloc (09022015). Collection method: clinical testing. Allele origin: germline.

Eurofins Ntd Llc (ga)
Classification: Uncertain significance. Last evaluated: 2016-12-06. Review status: criteria provided, single submitter. Criteria: EGL Classification Definitions 2015. Collection method: clinical testing. Allele origin: germline. Observed: 1 variant allele, 1 heterozygote.

Laboratory for Molecular Medicine, Mass General Brigham Personalized Medicine
Classification: Likely benign. Last evaluated: 2012-04-30. Review status: criteria provided, single submitter. Criteria: LMM Criteria. Collection method: clinical testing. Allele origin: germline. Observed: 3 variant alleles.
Comment: Val2092Val in Exon 40 of LOXHD1: This variant is not expected to have clinical s ignificance because it does not alter an amino acid residue, is not located with in the splice consensus sequence, and has been identified in 0.1% (1/702) of Afr ican American chromosomes from a broad population by the NHLBI Exome Sequencing Project (dbSNP rs141737883).

Natera, Inc.
Classification: Uncertain significance for Autosomal recessive deafness type 77. Last evaluated: 2020-01-17. Review status: no assertion criteria provided. Collection method: clinical testing. Allele origin: germline. Not counted in ClinVar's aggregate classification.